The following is an entry in ClinVar:

NM_020461.4(TUBGCP6):c.1277G>A (p.Gly426Asp)

Gene: TUBGCP6 (tubulin gamma complex component 6; minus strand). Cytogenetic location: 22q13.33.
Variant type: single nucleotide variant.
Coding change: c.1277G>A on transcript NM_020461.4 (MANE Select); coding-DNA position 1277, G replaced by A.
Protein change: p.Gly426Asp; replaces glycine 426 with aspartic acid.
Molecular consequence: missense variant.
Genome position (GRCh38, 1-based): chr22:50,229,417, C>T on the plus strand (G>A on the coding strand, the complement: TUBGCP6 is on the minus strand). VCF-style: chr22-50229417-C-T. GRCh37 (hg19) VCF-style: chr22-50667846-C-T.
Other names: short protein forms G426D.
Identifiers: ClinVar variation 1519408 (VCV001519408.6), dbSNP rs2147194065, ClinGen allele CA412108374.
Genomic context (GRCh38, chr22:50,229,417, plus strand): 5'-CACCGTTCTCACAAAGGTGTGTGACAACCATGAGGCAAAGGCCATACCTGGAACACGAGG[C>T]CCTTGCTGTACAAAGAGTCCAGGACGGGCTGCAGAGAGAAATGACTCAGGCGCGTGTAGC-3'
Protein context (NP_065194.3, residues 416-436): QPVLDSLYSK[Gly426Asp]LVFQAFTSGL

ClinVar aggregate classification (germline): Uncertain significance (1 of 4 stars; one submission).

Submission:

Labcorp Genetics (formerly Invitae), Labcorp
Classification: Uncertain significance. Last evaluated: 2022-07-25. Review status: criteria provided, single submitter. Criteria: Invitae Variant Classification Sherloc (09022015). Collection method: clinical testing. Allele origin: germline.
Comment: This sequence change replaces glycine, which is neutral and non-polar, with aspartic acid, which is acidic and polar, at codon 426 of the TUBGCP6 protein (p.Gly426Asp). In summary, the available evidence is currently insufficient to determine the role of this variant in disease. Therefore, it has been classified as a Variant of Uncertain Significance. Algorithms developed to predict the effect of missense changes on protein structure and function are either unavailable or do not agree on the potential impact of this missense change (SIFT: "Tolerated"; PolyPhen-2: "Probably Damaging"; Align-GVGD: "Class C0"). ClinVar contains an entry for this variant (Variation ID: 1519408). This variant has not been reported in the literature in individuals affected with TUBGCP6-related conditions. This variant is not present in population databases (gnomAD no frequency).